The following is an entry in ClinVar:

ClinVar aggregate classification (germline): Uncertain significance. Review status: criteria provided, multiple submitters, no conflicts (2 of 4 stars). 2 submissions from 2 submitters: Uncertain significance (2). Last evaluated 2020-12-02.

Conditions:
Hereditary cancer-predisposing syndrome. Also called: Tumor predisposition; Neoplastic Syndromes, Hereditary; Hereditary Cancer Syndrome; Hereditary neoplastic syndrome. Identifiers: Orphanet 140162, MedGen C0027672, MeSH D009386, MONDO:0015356.
Ataxia-telangiectasia syndrome (AT). Also called: ATAXIA-TELANGIECTASIA, COMPLEMENTATION GROUP A; ATAXIA-TELANGIECTASIA, FRESNO VARIANT; Ataxia-telangiectasia; Ataxia-telangiectasia, complementation group D; AT, COMPLEMENTATION GROUP C; Ataxia-telangiectasia, complementation group E. Identifiers: Orphanet 100, MedGen C0004135, MONDO:0008840, OMIM 208900.

Submissions (2):

Labcorp Genetics (formerly Invitae), Labcorp
Classification: Uncertain significance for Ataxia-telangiectasia syndrome. Last evaluated: 2020-12-02. Review status: criteria provided, single submitter. Criteria: Invitae Variant Classification Sherloc (09022015). Collection method: clinical testing. Allele origin: germline.
Comment: In summary, the available evidence is currently insufficient to determine the role of this variant in disease. Therefore, it has been classified as a Variant of Uncertain Significance. Algorithms developed to predict the effect of missense changes on protein structure and function (SIFT, PolyPhen-2, Align-GVGD) all suggest that this variant is likely to be tolerated, but these predictions have not been confirmed by published functional studies and their clinical significance is uncertain. This variant has not been reported in the literature in individuals with ATM-related conditions. ClinVar contains an entry for this variant (Variation ID: 823054). This variant is not present in population databases (ExAC no frequency). This sequence change replaces lysine with glutamine at codon 3053 of the ATM protein (p.Lys3053Gln). The lysine residue is moderately conserved and there is a small physicochemical difference between lysine and glutamine.

Ambry Genetics
Classification: Uncertain significance for Hereditary cancer-predisposing syndrome. Last evaluated: 2019-02-08. Review status: criteria provided, single submitter. Criteria: Ambry Variant Classification Scheme 2023. Collection method: clinical testing. Allele origin: germline.
Comment: The p.K3053Q variant (also known as c.9157A>C), located in coding exon 62 of the ATM gene, results from an A to C substitution at nucleotide position 9157. The lysine at codon 3053 is replaced by glutamine, an amino acid with similar properties. This amino acid position is well conserved in available vertebrate species. In addition, this alteration is predicted to be tolerated by in silico analysis. Since supporting evidence is limited at this time, the clinical significance of this alteration remains unclear.

NM_000051.4(ATM):c.9157A>C (p.Lys3053Gln)

Genes: ATM (ATM serine/threonine kinase; plus strand), C11orf65 (chromosome 11 open reading frame 65; minus strand). Cytogenetic location: 11q22.3.
Variant type: single nucleotide variant.
Coding change: c.9157A>C on transcript NM_000051.4 (MANE Select); coding-DNA position 9157, A replaced by C.
Protein change: p.Lys3053Gln; replaces lysine 3053 with glutamine.
Molecular consequence: missense variant. On other transcripts: intron variant (2).
Genome position (GRCh38, 1-based): chr11:108,365,494, A>C. VCF-style: chr11-108365494-A-C. GRCh37 (hg19) VCF-style: chr11-108236221-A-C.
Other names: c.9157A>C, p.Lys3053Gln (NM_001351834.2); c.640+20426T>G (NM_001330368.2); c.694+20426T>G (NM_001351110.2); short protein forms K3053Q.
Identifiers: ClinVar variation 823054 (VCV000823054.12), dbSNP rs1555152104, ClinGen allele CA382532169.